The following is an entry in ClinVar:

NM_001369268.1(ACAN):c.623C>T (p.Thr208Ile)

Gene: ACAN (aggrecan; plus strand). Cytogenetic location: 15q26.1.
Variant type: single nucleotide variant.
Coding change: c.623C>T on transcript NM_001369268.1 (MANE Select); coding-DNA position 623, C replaced by T.
Protein change: p.Thr208Ile; replaces threonine 208 with isoleucine.
Molecular consequence: missense variant.
Genome position (GRCh38, 1-based): chr15:88,840,180, C>T. VCF-style: chr15-88840180-C-T. GRCh37 (hg19) VCF-style: chr15-89383411-C-T.
Other names: c.623C>T (NM_013227.3); c.623C>T, p.Thr208Ile (NM_001135.4, NM_001411096.1, NM_001411097.1 and 1 more transcripts); short protein forms T208I.
Identifiers: ClinVar variation 2421000 (VCV002421000.6), dbSNP rs1319651016, ClinGen allele CA393717317.

ClinVar aggregate classification (germline): Uncertain significance. Review status: criteria provided, multiple submitters, no conflicts (2 of 4 stars). 2 submissions from 2 submitters: Uncertain significance (2). Last evaluated 2023-05-19.

gnomAD v4.1: 2 of 1,596,140 alleles (0.00013%); highest among the groups gnomAD compares: Non-Finnish European, 0.00017%; no homozygotes.

Submissions (2):

GeneDx
Classification: Uncertain significance. Last evaluated: 2023-05-19. Review status: criteria provided, single submitter. Criteria: GeneDx Variant Classification Process June 2021. Collection method: clinical testing. Allele origin: germline. Affected: yes.
Comment: In silico analysis supports that this missense variant has a deleterious effect on protein structure/function; Has not been previously published as pathogenic or benign to our knowledge

Labcorp Genetics (formerly Invitae), Labcorp
Classification: Uncertain significance. Last evaluated: 2022-04-18. Review status: criteria provided, single submitter. Criteria: Invitae Variant Classification Sherloc (09022015). Collection method: clinical testing. Allele origin: germline.
Comment: This sequence change replaces threonine, which is neutral and polar, with isoleucine, which is neutral and non-polar, at codon 208 of the ACAN protein (p.Thr208Ile). The frequency data for this variant in the population databases is considered unreliable, as metrics indicate poor data quality at this position in the gnomAD database. This variant has not been reported in the literature in individuals affected with ACAN-related conditions. Algorithms developed to predict the effect of missense changes on protein structure and function are either unavailable or do not agree on the potential impact of this missense change (SIFT: "Deleterious"; PolyPhen-2: "Not Available"; Align-GVGD: "Class C65"). In summary, the available evidence is currently insufficient to determine the role of this variant in disease. Therefore, it has been classified as a Variant of Uncertain Significance.